The following is an entry in ClinVar:

NM_016938.5(EFEMP2):c.1197G>A (p.Leu399=)

Genes: EFEMP2 (EGF-like fibulin extracellular matrix protein 2; minus strand), MUS81 (MUS81 structure-specific endonuclease subunit; plus strand). Cytogenetic location: 11q13.1.
Variant type: single nucleotide variant.
Coding change: c.1197G>A on transcript NM_016938.5 (MANE Select); coding-DNA position 1197, G replaced by A.
Protein change: p.Leu399=; no amino-acid change (leucine 399 retained).
Molecular consequence: synonymous variant. On other transcripts: non-coding transcript variant (1).
Genome position (GRCh38, 1-based): chr11:65,867,053, C>T on the plus strand (G>A on the coding strand, the complement: EFEMP2 is on the minus strand). VCF-style: chr11-65867053-C-T. GRCh37 (hg19) VCF-style: chr11-65634524-C-T.
Identifiers: ClinVar variation 5017843 (VCV005017843.1).
Genomic context (GRCh38, chr11:65,867,053, plus strand): 5'-GGTGACCATCTCCAGGTCCAGCACGTACTCCCGGGGGCCCGTCACCGGCCGGGCGAGGAC[C>T]AGCATGGCGCTGACGTTGTTGATTTGCTGCAGGGCAGTGGGTGGGGGGACATATATATTG-3'
Protein context (NP_058634.4, residues 389-409): IRQINNVSAM[Leu399=]VLARPVTGPR

ClinVar aggregate classification (germline): Uncertain significance (1 of 4 stars; one submission).

gnomAD v4.1: 2 of 1,614,152 alleles (0.00012%); highest among the groups gnomAD compares: Non-Finnish European, 0.00017%; no homozygotes.

Submission:

GeneDx
Classification: Uncertain significance. Last evaluated: 2026-03-31. Review status: criteria provided, single submitter. Criteria: GeneDx Variant Classification Process June 2021. Collection method: clinical testing. Allele origin: germline.
Comment: Not observed at significant frequency in large population cohorts (gnomAD); In silico analysis suggests that this variant does not alter splicing; Has not been previously published as pathogenic or benign to our knowledge